The following is an entry in ClinVar:

ClinVar aggregate classification (germline): Uncertain significance (1 of 4 stars; one submission).

Conditions:
Familial cold autoinflammatory syndrome 3 (FCAS3). Also called: FAMILIAL ATYPICAL COLD URTICARIA; ANTIBODY DEFICIENCY AND IMMUNE DYSREGULATION, PLCG2-ASSOCIATED. Identifiers: Orphanet 300359, MedGen C3280914, MONDO:0013766, OMIM 614468.

Submission:

Labcorp Genetics (formerly Invitae), Labcorp
Classification: Uncertain significance for Familial cold autoinflammatory syndrome 3. Last evaluated: 2023-12-07. Review status: criteria provided, single submitter. Criteria: Invitae Variant Classification Sherloc (09022015). Collection method: clinical testing. Allele origin: germline.
Comment: This sequence change replaces proline, which is neutral and non-polar, with glutamine, which is neutral and polar, at codon 939 of the PLCG2 protein (p.Pro939Gln). This variant is not present in population databases (gnomAD no frequency). This variant has not been reported in the literature in individuals affected with PLCG2-related conditions. ClinVar contains an entry for this variant (Variation ID: 1496272). An algorithm developed to predict the effect of missense changes on protein structure and function (PolyPhen-2) suggests that this variant is likely to be disruptive. In summary, the available evidence is currently insufficient to determine the role of this variant in disease. Therefore, it has been classified as a Variant of Uncertain Significance.

NM_002661.5(PLCG2):c.2816C>A (p.Pro939Gln)

Gene: PLCG2 (phospholipase C gamma 2; plus strand). Cytogenetic location: 16q23.3.
Variant type: single nucleotide variant.
Coding change: c.2816C>A on transcript NM_002661.5 (MANE Select); coding-DNA position 2816, C replaced by A.
Protein change: p.Pro939Gln; replaces proline 939 with glutamine.
Molecular consequence: missense variant.
Genome position (GRCh38, 1-based): chr16:81,934,505, C>A. VCF-style: chr16-81934505-C-A. GRCh37 (hg19) VCF-style: chr16-81968110-C-A.
Other names: short protein forms P939Q.
Identifiers: ClinVar variation 1496272 (VCV001496272.8), dbSNP rs2143721512, ClinGen allele CA396904752.